The following is an entry in ClinVar:

NM_020937.4(FANCM):c.4934G>A (p.Arg1645His)

Gene: FANCM (FA complementation group M; plus strand). Cytogenetic location: 14q21.2.
Variant type: single nucleotide variant.
Coding change: c.4934G>A on transcript NM_020937.4 (MANE Select); coding-DNA position 4934, G replaced by A.
Protein change: p.Arg1645His; replaces arginine 1645 with histidine.
Molecular consequence: missense variant.
Genome position (GRCh38, 1-based): chr14:45,188,956, G>A. VCF-style: chr14-45188956-G-A. GRCh37 (hg19) VCF-style: chr14-45658159-G-A.
Other names: c.4934G>A (LRG_502t1, NM_020937.3); c.4856G>A, p.Arg1619His (NM_001308133.2); short protein forms R1619H, R1645H.
Identifiers: ClinVar variation 658816 (VCV000658816.22), dbSNP rs377502779, ClinGen allele CA7169877.

ClinVar aggregate classification (germline): Conflicting classifications of pathogenicity. Review status: criteria provided, conflicting classifications (1 of 4 stars). 9 submissions from 9 submitters: Uncertain significance (7); Likely benign (2). Last evaluated 2026-09-18.

Conditions:
FANCM-related disorder. Also called: FANCM-related condition.
Fanconi anemia (FA). Also called: Fanconi's anemia. Identifiers: Orphanet 84, MedGen C0015625, MeSH D005199, MONDO:0019391.
Spermatogenic failure 28. Identifiers: MedGen C4748117, MONDO:0054732, OMIM 618086.
Premature ovarian failure 15. Identifiers: MedGen C4748170, MONDO:0054862, OMIM 618096.
Hereditary cancer. Identifiers: MedGen C1333600.

Allele frequency attached by ClinVar (database versions not stated): gnomAD 0.00006 and 0.00005; TOPMed 0.00006; ESP Exome Variant Server 0.00008.

Submissions (9):

PreventionGenetics, part of Exact Sciences
Classification: Uncertain significance for FANCM-related condition. Last evaluated: 2026-09-18. Review status: criteria provided, single submitter. Criteria: ACMG Guidelines, 2015. Collection method: clinical testing. Allele origin: germline.
Comment: The FANCM c.4934G>A variant is predicted to result in the amino acid substitution p.Arg1645His. This variant has been reported in the literature in an individuals with breast or ovarian cancer and in individuals without cancer (Nguyen-Dumont et al. 2018. PubMed ID: 29351780; Dorling et al. 2021. PubMed ID: 33471991; Table S2, Figlioli et al. 2023. PubMed ID: 36707629; Supp Table 7, Dicks et al. 2017. PubMed ID: 28881617). This variant is reported in 0.020% of alleles in individuals of African descent in gnomAD and is interpreted as uncertain and likely pathogenic in ClinVar (Variation ID: 658816). At this time, the clinical significance of this variant is uncertain due to the absence of conclusive functional and genetic evidence.

Labcorp Genetics (formerly Invitae), Labcorp
Classification: Uncertain significance for Fanconi anemia. Last evaluated: 2026-02-03. Review status: criteria provided, single submitter. Criteria: Invitae Variant Classification Sherloc (09022015). Collection method: clinical testing. Allele origin: germline.
Comment: This sequence change replaces arginine, which is basic and polar, with histidine, which is basic and polar, at codon 1645 of the FANCM protein (p.Arg1645His). This variant is present in population databases (rs377502779, gnomAD 0.02%). This missense change has been observed in individual(s) with breast and/or ovarian cancer (PMID: 29351780). ClinVar contains an entry for this variant (Variation ID: 658816). An algorithm developed to predict the effect of missense changes on protein structure and function outputs the following: PolyPhen-2: "Benign". The histidine amino acid residue is found in multiple mammalian species, which suggests that this missense change does not adversely affect protein function. In summary, the available evidence is currently insufficient to determine the role of this variant in disease. Therefore, it has been classified as a Variant of Uncertain Significance.

Dasa
Classification: Uncertain significance. Last evaluated: 2025-05-26. Review status: criteria provided, single submitter. Criteria: DASA Assertion Criteria. Collection method: clinical testing. Allele origin: germline.
Comment: NM_020937.4(FANCM):c.4934G>A (p.Arg1645His) is a missense variant that results in the substitution of arginine with histidine. Published studies describe this variant in association with related phenotype (PMID: 31991861). Also, this variant is rare in population databases. Computational prediction algorithms are consistent with a benign effect. The currently available literature and clinical evidence are not sufficient to establish a definitive association between this variant and the reported condition. Therefore, this variant is classified as a variant of uncertain significance.

GeneDx
Classification: Uncertain significance. Last evaluated: 2025-02-19. Review status: criteria provided, single submitter. Criteria: GeneDx Variant Classification Process June 2021. Collection method: clinical testing. Allele origin: germline. Affected: yes.
Comment: In silico analysis supports that this missense variant has a deleterious effect on protein structure/function; This variant is associated with the following publications: (PMID: 36707629, 29351780, 33471991)

Mendelics
Classification: Likely benign for Hereditary cancer. Last evaluated: 2024-09-11. Review status: criteria provided, single submitter. Criteria: ACMG Guidelines, 2015. Collection method: clinical testing. Allele origin: unknown.
Comment: This variant is considered likely benign or benign based on one or more of the following: it is predicted to be benign by multiple in silico algorithms, and/or has population frequency not consistent with disease, and/or has normal protein function, and/or has lack of segregation with disease, and/or has been detected in co-occurrence with known pathogenic variant, and/or has lack of disease association in case-control studies, and/or is located in a region inconsistent with a known cause of pathogenicity.

Fulgent Genetics
Classification: Uncertain significance for Spermatogenic failure 28; Premature ovarian failure 15. Last evaluated: 2024-06-08. Review status: criteria provided, single submitter. Criteria: ACMG Guidelines, 2015. Collection method: clinical testing. Allele origin: germline.

Blueprint Genetics
Classification: Likely benign. Last evaluated: 2024-02-16. Review status: criteria provided, single submitter. Criteria: ACMG Guidelines, 2015. Collection method: clinical testing. Allele origin: germline.

Quest Diagnostics Nichols Institute San Juan Capistrano
Classification: Uncertain significance. Last evaluated: 2023-12-01. Review status: criteria provided, single submitter. Criteria: Quest Diagnostics criteria. Collection method: clinical testing. Allele origin: unknown.
Comment: The FANCM c.4934G>A (p.Arg1645His) variant has been reported in the published literature in individuals with breast cancer as (PMIDs: 29351780 (2018), 33471991 (2021), 36707629 (2023)), see also LOVD) and ovarian cancer (PMID: 28881617 (2017)). In addition, this variant has been reported in unaffected individuals (PMID: 33471991 (2021), 36707629 (2023)), see also LOVD). The frequency of this variant in the general population, 0.0002 (5/24908 chromosomes (Genome Aggregation Database)), is uninformative in the assessment of its pathogenicity. Analysis of this variant using bioinformatics tools for the prediction of the effect of amino acid changes on protein structure and function yielded predictions that this variant is benign. Based on the available information, we are unable to determine the clinical significance of this variant.

Revvity Omics, Revvity
Classification: Uncertain significance. Last evaluated: 2019-11-19. Review status: criteria provided, single submitter. Criteria: ACMG Guidelines, 2015. Collection method: clinical testing. Allele origin: germline.

Literature cited by the submitters: PubMed 29351780 (cited by Labcorp Genetics (formerly Invitae), Labcorp and Quest Diagnostics Nichols Institute San Juan Capistrano); PubMed 31991861 (cited by Dasa); PubMed 28881617 (cited by Quest Diagnostics Nichols Institute San Juan Capistrano); PubMed 29338072 (cited by Quest Diagnostics Nichols Institute San Juan Capistrano); PubMed 36707629 (cited by Quest Diagnostics Nichols Institute San Juan Capistrano); PubMed 33471991 (cited by Quest Diagnostics Nichols Institute San Juan Capistrano).